The following is an entry in ClinVar:

ClinVar aggregate classification (germline): Uncertain significance (1 of 4 stars; one submission).

Conditions:
Nemaline myopathy 2 (NEM2). Also called: Nemaline myopathy 2, autosomal recessive. Identifiers: MedGen C1850569, MONDO:0009725, OMIM 256030.

Allele frequency attached by ClinVar (database versions not stated): gnomAD exomes below 0.00001.
gnomAD v4.1: 2 of 1,613,850 alleles (0.00012%); highest among the groups gnomAD compares: Non-Finnish European, 0.00017%; no homozygotes.

Submission:

Labcorp Genetics (formerly Invitae), Labcorp
Classification: Uncertain significance for Nemaline myopathy 2. Last evaluated: 2021-07-21. Review status: criteria provided, single submitter. Criteria: Invitae Variant Classification Sherloc (09022015). Collection method: clinical testing. Allele origin: germline.
Comment: This sequence change replaces glycine with valine at codon 2560 of the NEB protein (p.Gly2560Val). The glycine residue is moderately conserved and there is a moderate physicochemical difference between glycine and valine. This variant is not present in population databases (ExAC no frequency). This variant has not been reported in the literature in individuals affected with NEB-related conditions. Algorithms developed to predict the effect of missense changes on protein structure and function are either unavailable or do not agree on the potential impact of this missense change (SIFT: "Deleterious"; PolyPhen-2: "Not Available"; Align-GVGD: "Class C0"). In summary, the available evidence is currently insufficient to determine the role of this variant in disease. Therefore, it has been classified as a Variant of Uncertain Significance.

NM_001164508.2(NEB):c.7679G>T (p.Gly2560Val)

Gene: NEB (nebulin; minus strand). Cytogenetic location: 2q23.3.
Variant type: single nucleotide variant.
Coding change: c.7679G>T on transcript NM_001164508.2 (MANE Select); coding-DNA position 7679, G replaced by T.
Protein change: p.Gly2560Val; replaces glycine 2560 with valine.
Molecular consequence: missense variant.
Genome position (GRCh38, 1-based): chr2:151,644,095, C>A on the plus strand (G>T on the coding strand, the complement: NEB is on the minus strand). VCF-style: chr2-151644095-C-A. GRCh37 (hg19) VCF-style: chr2-152500609-C-A.
Other names: c.7679G>T, p.Gly2560Val (NM_001164507.2, NM_001271208.2, NM_004543.5); short protein forms G2560V.
Identifiers: ClinVar variation 1961110 (VCV001961110.2), dbSNP rs2552247374, ClinGen allele CA348782747.